The following is an entry in ClinVar:

ClinVar aggregate classification (germline): Pathogenic/Likely pathogenic. Review status: criteria provided, multiple submitters, no conflicts (2 of 4 stars). 4 submissions from 4 submitters: Pathogenic (1); Likely pathogenic (3). Last evaluated 2025-07-02.

Conditions:
Medium-chain acyl-coenzyme A dehydrogenase deficiency (ACADMD). Also called: CARNITINE DEFICIENCY SECONDARY TO MEDIUM-CHAIN ACYL-CoA DEHYDROGENASE DEFICIENCY; ACADM DEFICIENCY; MCADH DEFICIENCY; Medium chain acyl-CoA dehydrogenase deficiency; MCADD; MCAD Deficiency. Identifiers: Orphanet 42, MedGen C0220710, MONDO:0008721, OMIM 201450.

Submissions (4):

Natera, Inc.
Classification: Likely pathogenic for Medium Chain Acyl-CoA Dehydrogenase Deficiency. Last evaluated: 2025-07-02. Review status: criteria provided, single submitter. Criteria: Natera Variant Classification Schema (03/2026). Collection method: clinical testing. Allele origin: germline.
Comment: The c.472T>C variant in ACADM is a missense variant predicted to cause substitution of tyrosine to histidine at amino acid 158. This variant is rare in the general population with a frequency below the threshold expected for the associated phenotype(s). This variant has been observed in one or more individuals affected with the associated recessive disease, as either homozygous or compound heterozygous with a second variant (PMID: 36840705). This variant has been identified in one or more affected individuals with a phenotype highly consistent with the associated gene (PMID:36840705). Computational prediction algorithms indicate this variant is likely to affect gene or protein function. Given the available evidence, this variant is classified as Likely Pathogenic.

Labcorp Genetics (formerly Invitae), Labcorp
Classification: Pathogenic for Medium-chain acyl-coenzyme A dehydrogenase deficiency. Last evaluated: 2024-01-27. Review status: criteria provided, single submitter. Criteria: Invitae Variant Classification Sherloc (09022015). Collection method: clinical testing. Allele origin: germline.
Comment: This sequence change replaces tyrosine, which is neutral and polar, with histidine, which is basic and polar, at codon 158 of the ACADM protein (p.Tyr158His). This variant is not present in population databases (gnomAD no frequency). This missense change has been observed in individual(s) with medium-chain acyl-CoA dehydrogenase (MCAD) deficiency (PMID: 15832312, 19224950). This variant is also known as Y133H. ClinVar contains an entry for this variant (Variation ID: 807358). Advanced modeling of protein sequence and biophysical properties (such as structural, functional, and spatial information, amino acid conservation, physicochemical variation, residue mobility, and thermodynamic stability) performed at Invitae indicates that this missense variant is expected to disrupt ACADM protein function with a positive predictive value of 80%. Experimental studies have shown that this missense change affects ACADM function (PMID: 19224950, 24718418). This variant disrupts the p.Tyr158 amino acid residue in ACADM. Other variant(s) that disrupt this residue have been determined to be pathogenic (PMID: 23509891, 31012112). This suggests that this residue is clinically significant, and that variants that disrupt this residue are likely to be disease-causing. For these reasons, this variant has been classified as Pathogenic.

Baylor Genetics
Classification: Likely pathogenic for Medium-chain acyl-coenzyme A dehydrogenase deficiency. Last evaluated: 2022-02-17. Review status: criteria provided, single submitter. Criteria: ACMG Guidelines, 2015. Collection method: clinical testing. Allele origin: unknown.

Institute of Human Genetics Munich, TUM University Hospital
Classification: Likely pathogenic for Medium-chain acyl-coenzyme A dehydrogenase deficiency. Last evaluated: 2018-10-30. Review status: criteria provided, single submitter. Criteria: Classification criteria August 2017. Collection method: clinical testing. Allele origin: maternal. Inheritance: Autosomal recessive inheritance. Affected: yes. Observed: 1 compound heterozygote.

Literature cited by the submitters: PubMed 36840705 (cited by Natera, Inc.); PubMed 15832312 (cited by Labcorp Genetics (formerly Invitae), Labcorp); PubMed 19224950 (cited by Labcorp Genetics (formerly Invitae), Labcorp); PubMed 24718418 (cited by Labcorp Genetics (formerly Invitae), Labcorp); PubMed 23509891 (cited by Labcorp Genetics (formerly Invitae), Labcorp); PubMed 31012112 (cited by Labcorp Genetics (formerly Invitae), Labcorp).

NM_000016.6(ACADM):c.472T>C (p.Tyr158His)

Gene: ACADM (acyl-CoA dehydrogenase medium chain; plus strand). Cytogenetic location: 1p31.1.
Variant type: single nucleotide variant.
Coding change: c.472T>C on transcript NM_000016.6 (MANE Select); coding-DNA position 472, T replaced by C.
Protein change: p.Tyr158His; replaces tyrosine 158 with histidine.
Molecular consequence: missense variant. On other transcripts: 5 prime UTR variant (1).
Genome position (GRCh38, 1-based): chr1:75,739,983, T>C. VCF-style: chr1-75739983-T-C. GRCh37 (hg19) VCF-style: chr1-76205668-T-C.
Other names: c.484T>C, p.Tyr162His (NM_001127328.3); c.364T>C, p.Tyr122His (NM_001286042.2); c.571T>C, p.Tyr191His (NM_001286043.2); c.-96T>C (NM_001286044.2); c.472T>C (NM_000016.5); short protein forms Y162H, Y158H, Y191H, Y122H.
Identifiers: ClinVar variation 807358 (VCV000807358.8), dbSNP rs1570876467, ClinGen allele CA340814798.